The following is an entry in ClinVar:

NM_000443.4(ABCB4):c.1328_1329delinsCAA (p.Gln443fs)

Gene: ABCB4 (ATP binding cassette subfamily B member 4; minus strand). Cytogenetic location: 7q21.12.
Variant type: Indel.
Coding change: c.1328_1329delinsCAA on transcript NM_000443.4 (MANE Select); coding-DNA positions 1328 to 1329, AG replaced by CAA.
Protein change: p.Gln443fs; shifts the reading frame from glutamine 443.
Molecular consequence: frameshift variant.
Genome position (GRCh38, 1-based): chr7:87,443,346-87,443,347, CT replaced by TTG on the plus strand (AG replaced by CAA on the coding strand, the reverse complement: ABCB4 is on the minus strand). VCF-style: chr7-87443346-CT-TTG. GRCh37 (hg19) VCF-style: chr7-87072662-CT-TTG.
Other names: c.1328_1329delinsCAA, p.Gln443fs (NM_018849.3, NM_018850.3); short protein forms Q443fs.
Identifiers: ClinVar variation 13693 (VCV000013693.3), dbSNP rs387906528, ClinGen allele CA123364.

ClinVar aggregate classification (germline): Pathogenic. Review status: criteria provided, single submitter (1 of 4 stars). 3 submissions from 2 submitters: Pathogenic (1). 2 of the submissions do not count toward it. Last evaluated 2026-04-14.

Conditions:
Cholestasis, intrahepatic, of pregnancy, 3. Identifiers: Orphanet 69665, MedGen C3554241, MONDO:0013995, OMIM 614972.
Low phospholipid associated cholelithiasis (GBD1). Also called: Gallbladder disease 1; Gallstone cholecystitis. Identifiers: Orphanet 69663, MedGen C2609268, MONDO:0010939, OMIM 600803.

Submissions (3):

Genomenon, Inc
Classification: Pathogenic for Low phospholipid associated cholelithiasis. Last evaluated: 2026-04-14. Review status: criteria provided, single submitter. Criteria: Genomenon Sequence Variant Interpretation Standards - Updated. Collection method: curation. Allele origin: germline. Affected: yes.
Comment: ABCB4 p.Gln443ProfsTer5 (c.1328_1329delinsCAA) is a frameshift variant that results in the production of a truncated protein which is predicted to undergo nonsense-mediated mRNA decay. This variant has been observed in at least one proband with an ABCB4-related disorder (PMID:11313316). The variant was found to segregate with disease in at least one affected family (PMID:11313316). It is absent or not present at a significant frequency in gnomAD. In conclusion, we classify ABCB4 p.Gln443ProfsTer5 (c.1328_1329delinsCAA) as a pathogenic variant.

OMIM
Classification: Pathogenic for GALLBLADDER DISEASE 1. Last evaluated: 2001-05-01. Review status: no assertion criteria provided. Collection method: literature only. Allele origin: germline. Not counted in ClinVar's aggregate classification.

OMIM
Classification: Pathogenic for CHOLESTASIS, INTRAHEPATIC, OF PREGNANCY, 3. Last evaluated: 2001-05-01. Review status: no assertion criteria provided. Collection method: literature only. Allele origin: germline. Not counted in ClinVar's aggregate classification.

Literature cited by the submitters: PubMed 11313316 (cited by Genomenon, Inc and OMIM).